The following is an entry in ClinVar:

NM_205768.3(ZBTB18):c.166A>G (p.Met56Val)

Gene: ZBTB18 (zinc finger and BTB domain containing 18; plus strand). Cytogenetic location: 1q44.
Variant type: single nucleotide variant.
Coding change: c.166A>G on transcript NM_205768.3 (MANE Select); coding-DNA position 166, A replaced by G.
Protein change: p.Met56Val; replaces methionine 56 with valine.
Molecular consequence: missense variant.
Genome position (GRCh38, 1-based): chr1:244,053,940, A>G. VCF-style: chr1-244053940-A-G. GRCh37 (hg19) VCF-style: chr1-244217242-A-G.
Other names: c.139A>G, p.Met47Val (NM_001278196.2, NM_006352.5); c.166A>G, p.Met56Val (NM_001421566.1); c.166A>G (NM_205768.2); short protein forms M47V, M56V.
Identifiers: ClinVar variation 3025716 (VCV003025716.25), dbSNP rs772046748, ClinGen allele CA1484272.

ClinVar aggregate classification (germline): Uncertain significance. Review status: criteria provided, multiple submitters, no conflicts (2 of 4 stars). 3 submissions from 3 submitters: Uncertain significance (2). 1 of the submissions does not count toward it. Last evaluated 2024-12-10.

Conditions:
ZBTB18-related disorder. Also called: ZBTB18-related condition.

Allele frequency attached by ClinVar (database versions not stated): ExAC 0.00001; gnomAD exomes 0.00002; TOPMed 0.00002; gnomAD 0.00004.

Submissions (3):

Labcorp Genetics (formerly Invitae), Labcorp
Classification: Uncertain significance. Last evaluated: 2024-12-10. Review status: criteria provided, single submitter. Criteria: Invitae Variant Classification Sherloc (09022015). Collection method: clinical testing. Allele origin: germline.
Comment: This sequence change replaces methionine, which is neutral and non-polar, with valine, which is neutral and non-polar, at codon 56 of the ZBTB18 protein (p.Met56Val). This variant is present in population databases (rs772046748, gnomAD 0.002%). This variant has not been reported in the literature in individuals affected with ZBTB18-related conditions. ClinVar contains an entry for this variant (Variation ID: 3025716). Invitae Evidence Modeling of protein sequence and biophysical properties (such as structural, functional, and spatial information, amino acid conservation, physicochemical variation, residue mobility, and thermodynamic stability) indicates that this missense variant is not expected to disrupt ZBTB18 protein function with a negative predictive value of 95%. In summary, the available evidence is currently insufficient to determine the role of this variant in disease. Therefore, it has been classified as a Variant of Uncertain Significance.

CeGaT Center for Human Genetics Tuebingen
Classification: Uncertain significance. Last evaluated: 2024-01-01. Review status: criteria provided, single submitter. Criteria: CeGaT Center For Human Genetics Tuebingen Variant Classification Criteria Version 2. Collection method: clinical testing. Allele origin: germline. Affected: yes. Observed: 1 variant allele.

PreventionGenetics, part of Exact Sciences
Classification: Uncertain significance for ZBTB18-related condition. Last evaluated: 2023-11-27. Review status: no assertion criteria provided. Collection method: clinical testing. Allele origin: germline. Not counted in ClinVar's aggregate classification.
Comment: The ZBTB18 c.166A>G variant is predicted to result in the amino acid substitution p.Met56Val. To our knowledge, this variant has not been reported in the literature. This variant is reported in 0.0023% of alleles in individuals of European (Non-Finnish) descent in gnomAD. At this time, the clinical significance of this variant is uncertain due to the absence of conclusive functional and genetic evidence.